The following is an entry in ClinVar:

ClinVar aggregate classification (germline): Uncertain significance. Review status: criteria provided, multiple submitters, no conflicts (2 of 4 stars). 2 submissions from 2 submitters: Uncertain significance (2). Last evaluated 2026-09-01.

Conditions:
Hypophosphatasia. Also called: Phosphoethanol-aminuria. Identifiers: Orphanet 436, MedGen C0020630, MeSH D007014, MONDO:0018570.

Submissions (2):

Genomenon, Inc
Classification: Uncertain significance for Hypophosphatasia. Last evaluated: 2026-09-01. Review status: criteria provided, single submitter. Criteria: Genomenon Sequence Variant Interpretation Standards - Updated. Collection method: curation. Allele origin: germline. Affected: no.
Comment: ALPL p.Ser445Thr (c.1333T>A) is a missense variant that changes the amino acid at codon 445 from Serine to Threonine. This variant has been reported in the published literature (PMID:40386289;41042986). It is absent or not present at a significant frequency in gnomAD. In conclusion, we classify ALPL p.Ser445Thr (c.1333T>A) as a variant of uncertain significance.

JKU Lab, Dept of Paediatrics, Johannes Kepler University
Classification: Uncertain significance for Hypophosphatasia. Last evaluated: 2022-04-19. Review status: criteria provided, single submitter. Criteria: ACMG Guidelines, 2015. Collection method: clinical testing. Allele origin: germline. Affected: yes. Observed: 1 heterozygote.
Comment: This variant is absent from large population studies. REVEL score inconclusive (REVEL: 0.469). ACMG Criteria used for classification: PM2_sup, PP2_sup.

Literature cited by the submitters: PubMed 40386289 (cited by Genomenon, Inc); PubMed 41042986 (cited by Genomenon, Inc).

NM_000478.6(ALPL):c.1333T>A (p.Ser445Thr)

Gene: ALPL (alkaline phosphatase, biomineralization associated; plus strand). Cytogenetic location: 1p36.12.
Variant type: single nucleotide variant.
Coding change: c.1333T>A on transcript NM_000478.6 (MANE Select); coding-DNA position 1333, T replaced by A.
Protein change: p.Ser445Thr; replaces serine 445 with threonine.
Molecular consequence: missense variant.
Genome position (GRCh38, 1-based): chr1:21,577,406, T>A. VCF-style: chr1-21577406-T-A. GRCh37 (hg19) VCF-style: chr1-21903899-T-A.
Other names: c.1168T>A, p.Ser390Thr (NM_001127501.4); c.1102T>A, p.Ser368Thr (NM_001177520.3); c.1333T>A, p.Ser445Thr (NM_001369803.2, NM_001369804.2, NM_001369805.2); short protein forms S368T, S390T, S445T.
Identifiers: ClinVar variation 1687061 (VCV001687061.3), dbSNP rs1553415041, ClinGen allele CA338881983.